The following is an entry in ClinVar:

NM_001134363.3(RBM20):c.1113C>T (p.Ser371=)

Gene: RBM20 (RNA binding motif protein 20; plus strand). Cytogenetic location: 10q25.2.
Variant type: single nucleotide variant.
Coding change: c.1113C>T on transcript NM_001134363.3 (MANE Select); coding-DNA position 1113, C replaced by T.
Protein change: p.Ser371=; no amino-acid change (serine 371 retained).
Molecular consequence: synonymous variant.
Genome position (GRCh38, 1-based): chr10:110,781,722, C>T. VCF-style: chr10-110781722-C-T. GRCh37 (hg19) VCF-style: chr10-112541480-C-T.
Other names: c.1113C>T (LRG_382t1).
Identifiers: ClinVar variation 516543 (VCV000516543.14), dbSNP rs747651241, ClinGen allele CA5688554.

ClinVar aggregate classification (germline): Likely benign. Review status: criteria provided, multiple submitters, no conflicts (2 of 4 stars). 4 submissions from 4 submitters: Likely benign (4). Last evaluated 2026-01-16.

Conditions:
RBM20-related disorder. Also called: RBM20-related condition.
Dilated cardiomyopathy 1DD (CMD1DD). Identifiers: Orphanet 154, MedGen C2750995, MONDO:0013168, OMIM 613172.
Cardiovascular phenotype. Identifiers: MedGen CN230736.

Allele frequency attached by ClinVar (database versions not stated): gnomAD exomes 0.00001 and 0.00002; ExAC 0.00005; gnomAD 0.00005 and 0.00006; TOPMed 0.00005.
gnomAD v4.1: 18 of 1,551,446 alleles (0.0012%); highest among the groups gnomAD compares: African/African-American, 0.022%; no homozygotes.

Submissions (4):

Labcorp Genetics (formerly Invitae), Labcorp
Classification: Likely benign for Dilated cardiomyopathy 1DD. Last evaluated: 2026-01-16. Review status: criteria provided, single submitter. Criteria: Invitae Variant Classification Sherloc (09022015). Collection method: clinical testing. Allele origin: germline.

PreventionGenetics, part of Exact Sciences
Classification: Likely benign for RBM20-related condition. Last evaluated: 2025-05-13. Review status: criteria provided, single submitter. Criteria: ACMG Guidelines, 2015. Collection method: clinical testing. Allele origin: germline.
Comment: This variant is classified as likely benign based on ACMG/AMP sequence variant interpretation guidelines (Richards et al. 2015 PMID: 25741868, with internal and published modifications).

Ambry Genetics
Classification: Likely benign for Cardiovascular phenotype. Last evaluated: 2020-01-03. Review status: criteria provided, single submitter. Criteria: Ambry Variant Classification Scheme 2023. Collection method: clinical testing. Allele origin: germline.

GeneDx
Classification: Likely benign. Last evaluated: 2017-11-06. Review status: criteria provided, single submitter. Criteria: GeneDx Variant Classification (06012015). Collection method: clinical testing. Allele origin: germline. Affected: yes.
Comment: This variant is considered likely benign or benign based on one or more of the following criteria: it is a conservative change, it occurs at a poorly conserved position in the protein, it is predicted to be benign by multiple in silico algorithms, and/or has population frequency not consistent with disease.